The following is an entry in ClinVar:

ClinVar aggregate classification (germline): Uncertain significance (1 of 4 stars; one submission).

Conditions:
Hereditary cancer-predisposing syndrome. Also called: Hereditary Cancer Syndrome; Hereditary neoplastic syndrome; Neoplastic Syndromes, Hereditary; Tumor predisposition. Identifiers: Orphanet 140162, MedGen C0027672, MeSH D009386, MONDO:0015356.

Submission:

Ambry Genetics
Classification: Uncertain significance for Hereditary cancer-predisposing syndrome. Last evaluated: 2022-03-29. Review status: criteria provided, single submitter. Criteria: Ambry Variant Classification Scheme 2023. Collection method: clinical testing. Allele origin: germline.
Comment: The p.P187A variant (also known as c.559C>G), located in coding exon 3 of the FLCN gene, results from a C to G substitution at nucleotide position 559. The proline at codon 187 is replaced by alanine, an amino acid with highly similar properties. This amino acid position is conserved. In addition, this alteration is predicted to be deleterious by in silico analysis. Since supporting evidence is limited at this time, the clinical significance of this alteration remains unclear.

NM_144997.7(FLCN):c.559C>G (p.Pro187Ala)

Gene: FLCN (folliculin; minus strand). Cytogenetic location: 17p11.2.
Variant type: single nucleotide variant.
Coding change: c.559C>G on transcript NM_144997.7 (MANE Select); coding-DNA position 559, C replaced by G.
Protein change: p.Pro187Ala; replaces proline 187 with alanine.
Molecular consequence: missense variant.
Genome position (GRCh38, 1-based): chr17:17,223,981, G>C on the plus strand (C>G on the coding strand, the complement: FLCN is on the minus strand). VCF-style: chr17-17223981-G-C. GRCh37 (hg19) VCF-style: chr17-17127295-G-C.
Other names: c.613C>G, p.Pro205Ala (NM_001353229.2); c.559C>G, p.Pro187Ala (NM_001353230.2, NM_001353231.2, NM_144606.7); short protein forms P187A, P205A.
Identifiers: ClinVar variation 1748528 (VCV001748528.2), dbSNP rs1473012462, ClinGen allele CA398534288.